The following is an entry in ClinVar:

NM_001242896.3(DEPDC5):c.3326C>T (p.Pro1109Leu)

Gene: DEPDC5 (DEP domain containing 5, GATOR1 subcomplex subunit; plus strand). Cytogenetic location: 22q12.3.
Variant type: single nucleotide variant.
Coding change: c.3326C>T on transcript NM_001242896.3 (MANE Select); coding-DNA position 3326, C replaced by T.
Protein change: p.Pro1109Leu; replaces proline 1109 with leucine.
Molecular consequence: missense variant. On other transcripts: non-coding transcript variant (2), intron variant (5).
Genome position (GRCh38, 1-based): chr22:31,861,429, C>T. VCF-style: chr22-31861429-C-T. GRCh37 (hg19) VCF-style: chr22-32257415-C-T.
Other names: c.3299C>T, p.Pro1100Leu (NM_001136029.4); c.3092C>T, p.Pro1031Leu (NM_001363854.2, NM_001364319.2); c.3326C>T, p.Pro1109Leu (NM_001364318.2); c.3242C>T, p.Pro1081Leu (NM_001369901.1, NM_001369902.1); c.3237+3876C>T (NM_014662.6, NM_001369903.1); c.3264+3876C>T (NM_001363852.2, NM_001364320.2); c.3030+3876C>T (NM_001242897.2); short protein forms P1031L, P1081L, P1100L, P1109L.
Identifiers: ClinVar variation 2427016 (VCV002427016.6), dbSNP rs762449508, ClinGen allele CA10196945.
Genomic context (GRCh38, chr22:31,861,429, plus strand): 5'-ACGGGGCCTTCTTTATGGAGTTTGTCCGCAGCCCACGCACAGCATCGTCCGCCTTCTACC[C>T]TCAGGTTAGTCCAACTCCAGGGCTTCGCATGCCTGTCCCACTGGCAGACGCCATGAGCTG-3'
Protein context (NP_001229825.1, residues 1099-1119): SPRTASSAFY[Pro1109Leu]QVSVDQTATP

ClinVar aggregate classification (germline): Uncertain significance (1 of 4 stars; one submission).

Conditions:
Familial focal epilepsy with variable foci (FPEVF). Identifiers: Orphanet 98820, MedGen C1858477, MONDO:0020310.

Allele frequency attached by ClinVar (database versions not stated): gnomAD 0.00001; TOPMed 0.00001; ExAC 0.00005.
gnomAD v4.1: 4 of 1,551,418 alleles (0.00026%); highest among the groups gnomAD compares: East Asian, 0.0098%; no homozygotes.

Submission:

Labcorp Genetics (formerly Invitae), Labcorp
Classification: Uncertain significance for Familial focal epilepsy with variable foci. Last evaluated: 2022-02-12. Review status: criteria provided, single submitter. Criteria: Invitae Variant Classification Sherloc (09022015). Collection method: clinical testing. Allele origin: germline.
Comment: In summary, the available evidence is currently insufficient to determine the role of this variant in disease. Therefore, it has been classified as a Variant of Uncertain Significance. Algorithms developed to predict the effect of missense changes on protein structure and function output the following: SIFT: "Deleterious"; PolyPhen-2: "Not Available"; Align-GVGD: "Class C0". The leucine amino acid residue is found in multiple mammalian species, which suggests that this missense change does not adversely affect protein function. This variant has not been reported in the literature in individuals affected with DEPDC5-related conditions. This variant is present in population databases (rs762449508, gnomAD 0.05%). This sequence change replaces proline, which is neutral and non-polar, with leucine, which is neutral and non-polar, at codon 1109 of the DEPDC5 protein (p.Pro1109Leu).